The following is an entry in ClinVar:

ClinVar aggregate classification (germline): Uncertain significance (1 of 4 stars; one submission).

Conditions:
Holoprosencephaly sequence (HPE). Also called: Holoprosencephaly. Identifiers: Orphanet 2162, MedGen C0079541, MONDO:0016296, HP:0001360.

Submission:

Labcorp Genetics (formerly Invitae), Labcorp
Classification: Uncertain significance for Holoprosencephaly sequence. Last evaluated: 2022-09-06. Review status: criteria provided, single submitter. Criteria: Invitae Variant Classification Sherloc (09022015). Collection method: clinical testing. Allele origin: germline.
Comment: This variant, c.254_265del, results in the deletion of 4 amino acid(s) of the FOXH1 protein (p.Leu85_Asn88del), but otherwise preserves the integrity of the reading frame. This variant is not present in population databases (gnomAD no frequency). This variant has not been reported in the literature in individuals affected with FOXH1-related conditions. ClinVar contains an entry for this variant (Variation ID: 1436191). Experimental studies and prediction algorithms are not available or were not evaluated, and the functional significance of this variant is currently unknown. In summary, the available evidence is currently insufficient to determine the role of this variant in disease. Therefore, it has been classified as a Variant of Uncertain Significance.

NM_003923.3(FOXH1):c.254_265del (p.Leu85_Asn88del)

Gene: FOXH1 (forkhead box H1; minus strand). Cytogenetic location: 8q24.3.
Variant type: Deletion.
Coding change: c.254_265del on transcript NM_003923.3 (MANE Select); coding-DNA positions 254 to 265, 12 bases deleted (TTTCCTCCAACC).
Protein change: p.Leu85_Asn88del.
Molecular consequence: inframe deletion.
Genome position (GRCh38, 1-based): chr8:144,475,171-144,475,182, GGTTGGAGGAAA deleted on the plus strand (TTTCCTCCAACC on the coding strand, the reverse complement: FOXH1 is on the minus strand); deleting any 12 consecutive bases within chr8:144,475,171-144,475,187 gives the same sequence; the c. name uses the placement nearest the transcript's 3' end. VCF-style (leftmost placement, unchanged base first): chr8-144475170-CGGTTGGAGGAAA-C. GRCh37 (hg19) VCF-style: chr8-145700553-CGGTTGGAGGAAA-C.
Identifiers: ClinVar variation 1436191 (VCV001436191.6), dbSNP rs2130039684, ClinGen allele CA2573142905.